The following is an entry in ClinVar:

NM_015922.3(NSDHL):c.154C>T (p.His52Tyr)

Gene: NSDHL (NAD(P) dependent 3-beta-hydroxysteroid dehydrogenase NSDHL; plus strand). Cytogenetic location: Xq28.
Variant type: single nucleotide variant.
Coding change: c.154C>T on transcript NM_015922.3 (MANE Select); coding-DNA position 154, C replaced by T.
Protein change: p.His52Tyr; replaces histidine 52 with tyrosine.
Molecular consequence: missense variant.
Genome position (GRCh38, 1-based): chrX:152,850,310, C>T. VCF-style: chrX-152850310-C-T. GRCh37 (hg19) VCF-style: chrX-152018854-C-T.
Other names: c.154C>T, p.His52Tyr (NM_001129765.2); short protein forms H52Y.
Identifiers: ClinVar variation 3641748 (VCV003641748.2).
Genomic context (GRCh38, chrX:152,850,310, plus strand): 5'-CCTCTCTTTCCACAGGCCAAGAGATGCACAGTGATCGGTGGCTCTGGATTCCTGGGGCAG[C>T]ACATGGTGGAGCAGTTGCTGGCAAGAGGATATGCTGTCAATGTATTTGATATCCAGCAAG-3'
Protein context (NP_057006.1, residues 42-62): VIGGSGFLGQ[His52Tyr]MVEQLLARGY

ClinVar aggregate classification (germline): Uncertain significance (1 of 4 stars; one submission).

Submission:

Labcorp Genetics (formerly Invitae), Labcorp
Classification: Uncertain significance. Last evaluated: 2024-02-23. Review status: criteria provided, single submitter. Criteria: Invitae Variant Classification Sherloc (09022015). Collection method: clinical testing. Allele origin: germline.
Comment: This sequence change replaces histidine, which is basic and polar, with tyrosine, which is neutral and polar, at codon 52 of the NSDHL protein (p.His52Tyr). This variant is not present in population databases (gnomAD no frequency). This variant has not been reported in the literature in individuals affected with NSDHL-related conditions. Algorithms developed to predict the effect of missense changes on protein structure and function output the following: SIFT: "Not Available"; PolyPhen-2: "Benign"; Align-GVGD: "Not Available". The tyrosine amino acid residue is found in multiple mammalian species, which suggests that this missense change does not adversely affect protein function. In summary, the available evidence is currently insufficient to determine the role of this variant in disease. Therefore, it has been classified as a Variant of Uncertain Significance.